The following is an entry in ClinVar:

ClinVar aggregate classification (germline): Likely benign (1 of 4 stars; one submission).

gnomAD v4.1: 9 of 1,614,096 alleles (0.00056%); highest among the groups gnomAD compares: Non-Finnish European, 0.00076%; no homozygotes.

Submission:

CeGaT Center for Human Genetics Tuebingen
Classification: Likely benign. Last evaluated: 2025-08-01. Review status: criteria provided, single submitter. Criteria: CeGaT Center For Human Genetics Tuebingen Variant Classification Criteria Version 2. Collection method: clinical testing. Allele origin: germline. Affected: yes. Observed: 1 variant allele.
Comment: SYNE1: BP4, BP7

NM_182961.4(SYNE1):c.17625T>A (p.Ser5875=)

Gene: SYNE1 (spectrin repeat containing nuclear envelope protein 1; minus strand). Cytogenetic location: 6q25.2.
Variant type: single nucleotide variant.
Coding change: c.17625T>A on transcript NM_182961.4 (MANE Select); coding-DNA position 17625, T replaced by A.
Protein change: p.Ser5875=; no amino-acid change (serine 5875 retained).
Molecular consequence: synonymous variant.
Genome position (GRCh38, 1-based): chr6:152,300,698, A>T on the plus strand (T>A on the coding strand, the complement: SYNE1 is on the minus strand). VCF-style: chr6-152300698-A-T. GRCh37 (hg19) VCF-style: chr6-152621833-A-T.
Other names: c.17412T>A, p.Ser5804= (NM_033071.5).
Identifiers: ClinVar variation 4085055 (VCV004085055.8).